The following is an entry in ClinVar:

ClinVar aggregate classification (germline): Uncertain significance (1 of 4 stars; one submission).

Allele frequency attached by ClinVar (database versions not stated): ExAC 0.00001; TOPMed 0.00002; gnomAD 0.00003; gnomAD exomes 0.00005; ESP Exome Variant Server 0.00009.

Submission:

Labcorp Genetics (formerly Invitae), Labcorp
Classification: Uncertain significance. Last evaluated: 2022-09-10. Review status: criteria provided, single submitter. Criteria: Invitae Variant Classification Sherloc (09022015). Collection method: clinical testing. Allele origin: germline.
Comment: This variant is present in population databases (rs751075566, gnomAD 0.002%). In summary, the available evidence is currently insufficient to determine the role of this variant in disease. Therefore, it has been classified as a Variant of Uncertain Significance. Experimental studies and prediction algorithms are not available or were not evaluated, and the functional significance of this variant is currently unknown. This variant has not been reported in the literature in individuals affected with DIAPH3-related conditions. This sequence change creates a premature translational stop signal (p.Gln1070Serfs*32) in the DIAPH3 gene. While this is not anticipated to result in nonsense mediated decay, it is expected to disrupt the last 124 amino acid(s) of the DIAPH3 protein.

NM_001042517.2(DIAPH3):c.3208del (p.Gln1070fs)

Gene: DIAPH3 (diaphanous related formin 3; minus strand). Cytogenetic location: 13q21.2.
Variant type: Deletion.
Coding change: c.3208del on transcript NM_001042517.2 (MANE Select); coding-DNA position 3208, one base deleted (C; older notation c.3208delC).
Protein change: p.Gln1070fs; shifts the reading frame from glutamine 1070.
Molecular consequence: frameshift variant.
Genome position (GRCh38, 1-based): chr13:59,774,779, G deleted on the plus strand (C on the coding strand, the reverse complement: DIAPH3 is on the minus strand). VCF-style (leftmost placement, unchanged base first): chr13-59774778-TG-T. GRCh37 (hg19) VCF-style: chr13-60348912-TG-T.
Other names: c.3175del, p.Gln1059fs (NM_001258366.2); c.3070del, p.Gln1024fs (NM_001258367.2); c.2998del, p.Gln1000fs (NM_001258368.2); c.3208del, p.Gln1070fs (NM_001258369.2); c.2419del, p.Gln807fs (NM_030932.4); short protein forms Q1059fs, Q1070fs, Q807fs, Q1024fs, Q1000fs.
Identifiers: ClinVar variation 2140183 (VCV002140183.4), dbSNP rs751075566, ClinGen allele CA6996122.